The following is an entry in ClinVar:

ClinVar aggregate classification (germline): Pathogenic/Likely pathogenic. Review status: criteria provided, multiple submitters, no conflicts (2 of 4 stars). 2 submissions from 2 submitters: Pathogenic (1); Likely pathogenic (1). Last evaluated 2026-01-06.

Conditions:
Autosomal recessive nonsyndromic hearing loss 30. Identifiers: Orphanet 90636, MedGen C1846784, MONDO:0011774, OMIM 607101.

Allele frequency attached by ClinVar (database versions not stated): gnomAD exomes below 0.00001.

Submissions (2):

Dasa
Classification: Likely pathogenic. Last evaluated: 2026-01-06. Review status: criteria provided, single submitter. Criteria: DASA Assertion Criteria. Collection method: clinical testing. Allele origin: germline.
Comment: NM_017433.5(MYO3A):c.3948dup (p.Cys1317Metfs*13) is a frameshift variant in MYO3A predicted to alter the reading frame and introduce a premature termination codon and is predicted to result in an absent or altered protein product. Loss of function is an established disease mechanism for MYO3A-associated disorders. Also, this variant is rare in population databases. Based on the currently available evidence, this variant is classified as likely pathogenic.

Mendelics
Classification: Pathogenic for Autosomal recessive nonsyndromic hearing loss 30. Last evaluated: 2019-05-28. Review status: criteria provided, single submitter. Criteria: Mendelics Assertion Criteria 2017. Collection method: clinical testing. Allele origin: unknown.

NM_017433.5(MYO3A):c.3948dup (p.Cys1317fs)

Gene: MYO3A (myosin IIIA; plus strand). Cytogenetic location: 10p12.1.
Variant type: Duplication.
Coding change: c.3948dup on transcript NM_017433.5 (MANE Select); coding-DNA position 3948, one base duplicated (A; older notation c.3948dupA).
Protein change: p.Cys1317fs; shifts the reading frame from cysteine 1317.
Molecular consequence: frameshift variant.
Genome position (GRCh38, 1-based): chr10:26,174,212, A duplicated. VCF-style (leftmost placement, unchanged base first): chr10-26174211-T-TA. GRCh37 (hg19) VCF-style: chr10-26463140-T-TA.
Other names: short protein forms C1317fs.
Identifiers: ClinVar variation 802566 (VCV000802566.3), dbSNP rs1589079163, ClinGen allele CA915945866.